The following is an entry in ClinVar:

ClinVar aggregate classification (germline): Conflicting classifications of pathogenicity. Review status: criteria provided, conflicting classifications (1 of 4 stars). 2 submissions from 2 submitters: Uncertain significance (1); Likely benign (1). Last evaluated 2024-12-03.

Conditions:
Inborn genetic diseases. Identifiers: MedGen C0950123, MeSH D030342.

Allele frequency attached by ClinVar (database versions not stated): ExAC 0.00006; gnomAD exomes 0.00002.
gnomAD v4.1: 27 of 1,613,296 alleles (0.0017%); highest among the groups gnomAD compares: South Asian, 0.025%; no homozygotes.

Submissions (2):

Ambry Genetics
Classification: Likely benign for Inborn genetic diseases. Last evaluated: 2024-12-03. Review status: criteria provided, single submitter. Criteria: Ambry Variant Classification Scheme 2023. Collection method: clinical testing. Allele origin: germline.

Labcorp Genetics (formerly Invitae), Labcorp
Classification: Uncertain significance. Last evaluated: 2023-08-04. Review status: criteria provided, single submitter. Criteria: Invitae Variant Classification Sherloc (09022015). Collection method: clinical testing. Allele origin: germline.
Comment: This variant has not been reported in the literature in individuals affected with MATN3-related conditions. This variant is present in population databases (rs760753512, gnomAD 0.05%), and has an allele count higher than expected for a pathogenic variant. This sequence change replaces serine, which is neutral and polar, with threonine, which is neutral and polar, at codon 398 of the MATN3 protein (p.Ser398Thr). ClinVar contains an entry for this variant (Variation ID: 2072052). In summary, the available evidence is currently insufficient to determine the role of this variant in disease. Therefore, it has been classified as a Variant of Uncertain Significance. Advanced modeling of protein sequence and biophysical properties (such as structural, functional, and spatial information, amino acid conservation, physicochemical variation, residue mobility, and thermodynamic stability) performed at Invitae indicates that this missense variant is not expected to disrupt MATN3 protein function.

NM_002381.5(MATN3):c.1192T>A (p.Ser398Thr)

Genes: WDR35-DT (WDR35 divergent transcript; plus strand), MATN3 (matrilin 3; minus strand). Cytogenetic location: 2p24.1.
Variant type: single nucleotide variant.
Coding change: c.1192T>A on transcript NM_002381.5 (MANE Select); coding-DNA position 1192, T replaced by A.
Protein change: p.Ser398Thr; replaces serine 398 with threonine.
Molecular consequence: missense variant.
Genome position (GRCh38, 1-based): chr2:19,997,236, A>T on the plus strand (T>A on the coding strand, the complement: MATN3 is on the minus strand). VCF-style: chr2-19997236-A-T. GRCh37 (hg19) VCF-style: chr2-20196997-A-T.
Other names: c.1192T>A (NM_002381.4); short protein forms S398T.
Identifiers: ClinVar variation 2072052 (VCV002072052.5), dbSNP rs760753512, ClinGen allele CA1543772.